The following is an entry in ClinVar:

NM_020893.6(CCDC180):c.4317C>T (p.Phe1439=)

Genes: CCDC180 (coiled-coil domain containing 180; plus strand), SUGT1P4-STRA6LP-CCDC180 (SUGT1P4-STRA6LP-CCDC180 readthrough; plus strand). Cytogenetic location: 9q22.33.
Variant type: single nucleotide variant.
Coding change: c.4317C>T on transcript NM_020893.6 (MANE Select); coding-DNA position 4317, C replaced by T.
Protein change: p.Phe1439=; no amino-acid change (phenylalanine 1439 retained).
Molecular consequence: synonymous variant. On other transcripts: non-coding transcript variant (3).
Genome position (GRCh38, 1-based): chr9:97,370,049, C>T. VCF-style: chr9-97370049-C-T. GRCh37 (hg19) VCF-style: chr9-100132331-C-T.
Identifiers: ClinVar variation 2659334 (VCV002659334.24), dbSNP rs147680830, ClinGen allele CA5146108.

ClinVar aggregate classification (germline): Likely benign (1 of 4 stars; one submission).

Allele frequency attached by ClinVar (database versions not stated): gnomAD exomes 0.00010; ExAC 0.00033; ESP Exome Variant Server 0.00077; gnomAD 0.00086; TOPMed 0.00090; 1000 Genomes Project 0.00100; 1000 Genomes Project 30x 0.00125.
gnomAD v4.1: 285 of 1,614,040 alleles (0.018%); highest among the groups gnomAD compares: African/African-American, 0.29%; 2 homozygotes.

Submission:

CeGaT Center for Human Genetics Tuebingen
Classification: Likely benign. Last evaluated: 2023-04-01. Review status: criteria provided, single submitter. Criteria: CeGaT Center For Human Genetics Tuebingen Variant Classification Criteria Version 2. Collection method: clinical testing. Allele origin: germline. Affected: yes. Observed: 1 variant allele.
Comment: CCDC180: BP4, BP7